The following is an entry in ClinVar:

ClinVar aggregate classification (germline): Conflicting classifications of pathogenicity. Review status: criteria provided, conflicting classifications (1 of 4 stars). 4 submissions from 4 submitters: Pathogenic (3); Uncertain significance (1). Last evaluated 2026-02-23.

Conditions:
Frasier syndrome. Identifiers: Orphanet 347, MedGen C0950122, MeSH D052159, MONDO:0007635, OMIM 136680.
Drash syndrome (DDS). Also called: NEPHROPATHY, WILMS TUMOR, AND GENITAL ANOMALIES; WILMS TUMOR AND PSEUDO- OR TRUE HERMAPHRODITISM. Identifiers: Orphanet 220, MedGen C0950121, MONDO:0008682, OMIM 194080.
Wilms tumor 1 (WT1). Also called: Wilms tumor, somatic. Identifiers: Orphanet 654, MedGen CN033288, MONDO:0008679, OMIM 194070.
11p partial monosomy syndrome (WAGR). Also called: WAGR Spectrum Disorder; CHROMOSOME 11p13 DELETION SYNDROME; WAGR syndrome; WAGR Complex. Identifiers: Orphanet 893, MedGen C0206115, MONDO:0008681, OMIM 194072.

Submissions (4):

GeneDx
Classification: Pathogenic. Last evaluated: 2026-02-23. Review status: criteria provided, single submitter. Criteria: GeneDx Variant Classification Process June 2021. Collection method: clinical testing. Allele origin: germline.
Comment: Apparently de novo variant in a patient with congenital onset acute kidney injury in the published literature (PMID: 38547852); Not observed at significant frequency in large population cohorts (gnomAD); In silico analysis supports that this missense variant has a deleterious effect on protein structure/function; This variant is associated with the following publications: (PMID: 40303223, 8388765, 29294058, 38547852)

Labcorp Genetics (formerly Invitae), Labcorp
Classification: Pathogenic for Wilms tumor 1; Drash syndrome; 11p partial monosomy syndrome; Frasier syndrome. Last evaluated: 2025-03-21. Review status: criteria provided, single submitter. Criteria: Invitae Variant Classification Sherloc (09022015). Collection method: clinical testing. Allele origin: germline.
Comment: This sequence change replaces histidine, which is basic and polar, with glutamine, which is neutral and polar, at codon 441 of the WT1 protein (p.His441Gln). This variant is not present in population databases (gnomAD no frequency). This missense change has been observed in individual(s) with clinical features of autosomal dominant Denys-Drash syndrome (PMID: 8388765). In at least one individual the variant was observed to be de novo. This variant is also known as 373H to Q. ClinVar contains an entry for this variant (Variation ID: 973193). Invitae Evidence Modeling of protein sequence and biophysical properties (such as structural, functional, and spatial information, amino acid conservation, physicochemical variation, residue mobility, and thermodynamic stability) indicates that this missense variant is expected to disrupt WT1 protein function with a positive predictive value of 95%. This variant disrupts the p.His441 amino acid residue in WT1. Other variant(s) that disrupt this residue have been observed in individuals with WT1-related conditions (PMID: 8956030), which suggests that this may be a clinically significant amino acid residue. For these reasons, this variant has been classified as Pathogenic.

Molecular Medicine Center, Medical University of Sofia
Classification: Pathogenic for Drash syndrome; Frasier syndrome. Last evaluated: 2020-07-01. Review status: criteria provided, single submitter. Criteria: ACMG Guidelines, 2015. Collection method: clinical testing. Allele origin: de novo. Inheritance: Sporadic. Affected: yes. Observed: 1 heterozygote.

Blueprint Genetics
Classification: Uncertain significance. Last evaluated: 2019-06-24. Review status: criteria provided, single submitter. Criteria: ACMG Guidelines, 2015. Collection method: clinical testing. Allele origin: germline.

Literature cited by the submitters: PubMed 8388765 (cited by Labcorp Genetics (formerly Invitae), Labcorp); PubMed 8956030 (cited by Labcorp Genetics (formerly Invitae), Labcorp).

NM_024426.6(WT1):c.1338C>A (p.His446Gln)

Gene: WT1 (WT1 transcription factor; minus strand). Cytogenetic location: 11p13.
Variant type: single nucleotide variant.
Coding change: c.1338C>A on transcript NM_024426.6 (MANE Select); coding-DNA position 1338, C replaced by A.
Protein change: p.His446Gln; replaces histidine 446 with glutamine.
Molecular consequence: missense variant. On other transcripts: non-coding transcript variant (1).
Genome position (GRCh38, 1-based): chr11:32,392,682, G>T on the plus strand (C>A on the coding strand, the complement: WT1 is on the minus strand). VCF-style: chr11-32392682-G-T. GRCh37 (hg19) VCF-style: chr11-32414228-G-T.
Other names: c.1287C>A, p.His429Gln (NM_000378.6, NM_001407045.1, NM_001407049.1); c.687C>A, p.His229Gln (NM_001198551.2); c.636C>A, p.His212Gln (NM_001198552.2); c.150C>A, p.His50Gln (NM_001367854.1); c.1332C>A, p.His444Gln (NM_001407044.1); c.1338C>A, p.His446Gln (NM_001407046.1, NM_024424.5); c.1215C>A, p.His405Gln (NM_001407047.1); c.1164C>A, p.His388Gln (NM_001407050.1); and 2 more; short protein forms H429Q, H229Q, H212Q, H446Q, H50Q, H424Q, H192Q, H405Q.
Identifiers: ClinVar variation 973193 (VCV000973193.12), dbSNP rs121907907, ClinGen allele CA379959168.
Genomic context (GRCh38, chr11:32,392,682, plus strand): 5'-CCAAGGGAACACAGCTGCCAGCAATGAGAAGTGAACCTACAAACCTGTATGTCTCCTTTG[G>T]TGTCTTTTGAGCTGGTCTGAACGAGAAAACCTTCGTTCACAGTCCTTGAAGTCACACTGG-3'
Protein context (NP_077744.4, residues 436-456): RFSRSDQLKR[His446Gln]QRRHTGVKPF